The following is an entry in ClinVar:

ClinVar aggregate classification (germline): Likely pathogenic (0 of 4 stars; one submission).

Conditions:
Congenital bile acid synthesis defect 3. Identifiers: Orphanet 79302, MedGen C3151147, MONDO:0013439, OMIM 613812.

gnomAD v4.1: 1 of 1,613,246 alleles (0.000062%); highest among the groups gnomAD compares: Non-Finnish European, 0.000085%; no homozygotes.

Submission:

Solve-RD Consortium
Classification: Likely pathogenic for Congenital bile acid synthesis defect 3. Last evaluated: 2022-06-01. Review status: no assertion criteria provided. Collection method: provider interpretation. Allele origin: inherited. Affected: yes.
Comment: Variant confirmed as disease-causing by referring clinical team

Variant identified during reanalysis of unsolved cases by the Solve-RD project. The Solve-RD project has received funding from the European Union’s Horizon 2020 research and innovation programme under grant agreement No 779257.

Literature cited by the submitters: PubMed 39825153.

NM_004820.5(CYP7B1):c.137C>G (p.Pro46Arg)

Gene: CYP7B1 (cytochrome P450 family 7 subfamily B member 1; minus strand). Cytogenetic location: 8q12.3.
Variant type: single nucleotide variant.
Coding change: c.137C>G on transcript NM_004820.5 (MANE Select); coding-DNA position 137, C replaced by G.
Protein change: p.Pro46Arg; replaces proline 46 with arginine.
Molecular consequence: missense variant.
Genome position (GRCh38, 1-based): chr8:64,624,525, G>C on the plus strand (C>G on the coding strand, the complement: CYP7B1 is on the minus strand). VCF-style: chr8-64624525-G-C. GRCh37 (hg19) VCF-style: chr8-65537082-G-C.
Other names: c.137C>G, p.Pro46Arg (NM_001324112.2); short protein forms P46R.
Identifiers: ClinVar variation 3256740 (VCV003256740.1).
Genomic context (GRCh38, chr8:64,624,525, plus strand): 5'-GGGTCTTTTCGTAAGTTCAGGACCACTCCAAGATAAGGAAGCCAACCTTTTATCAATGGA[G>C]GCTCACCGGGTCTCCTACAAGGAAAAAAAAAAAGATAAAAGAACAAAAGAAAAATCAAAT-3'
Protein context (NP_004811.1, residues 36-56): LVRRTRRPGE[Pro46Arg]PLIKGWLPYL